The following is an entry in ClinVar:

ClinVar aggregate classification (germline): Uncertain significance (1 of 4 stars; one submission).

Conditions:
Progressive myoclonic epilepsy. Also called: Familial progressive myoclonic epilepsy; Myoclonic Epilepsies, Progressive; Myoclonus epilepsy; Progressive myoclonus epilepsy. Identifiers: Orphanet 308, Orphanet 98261, MedGen C0751778, MONDO:0020074.

Allele frequency attached by ClinVar (database versions not stated): TOPMed 0.00001.

Submission:

Labcorp Genetics (formerly Invitae), Labcorp
Classification: Uncertain significance for Progressive myoclonic epilepsy. Last evaluated: 2022-08-31. Review status: criteria provided, single submitter. Criteria: Invitae Variant Classification Sherloc (09022015). Collection method: clinical testing. Allele origin: germline.
Comment: This sequence change replaces proline, which is neutral and non-polar, with threonine, which is neutral and polar, at codon 57 of the EPM2A protein (p.Pro57Thr). This variant is not present in population databases (gnomAD no frequency). This variant has not been reported in the literature in individuals affected with EPM2A-related conditions. ClinVar contains an entry for this variant (Variation ID: 1447364). Algorithms developed to predict the effect of missense changes on protein structure and function are either unavailable or do not agree on the potential impact of this missense change (SIFT: "Deleterious"; PolyPhen-2: "Probably Damaging"; Align-GVGD: "Class C0"). In summary, the available evidence is currently insufficient to determine the role of this variant in disease. Therefore, it has been classified as a Variant of Uncertain Significance.

NM_005670.4(EPM2A):c.169C>A (p.Pro57Thr)

Genes: EPM2A (EPM2A glucan phosphatase, laforin; minus strand), EPM2A-DT (EPM2A divergent transcript; plus strand), LOC129997381 (ATAC-STARR-seq lymphoblastoid silent region 17642; plus strand). Cytogenetic location: 6q24.3.
Variant type: single nucleotide variant.
Coding change: c.169C>A on transcript NM_005670.4 (MANE Select); coding-DNA position 169, C replaced by A.
Protein change: p.Pro57Thr; replaces proline 57 with threonine.
Molecular consequence: missense variant. On other transcripts: 5 prime UTR variant (3), intron variant (1).
Genome position (GRCh38, 1-based): chr6:145,735,330, G>T on the plus strand (C>A on the coding strand, the complement: EPM2A is on the minus strand). VCF-style: chr6-145735330-G-T. GRCh37 (hg19) VCF-style: chr6-146056466-G-T.
Other names: c.169C>A, p.Pro57Thr (NM_001018041.2, NM_001360057.2, NM_001368130.1); c.-501C>A (NM_001360071.2); c.-455C>A (NM_001368129.2); c.-199C>A (NM_001368131.1); c.-114+578C>A (NM_001360064.2); short protein forms P57T.
Identifiers: ClinVar variation 1447364 (VCV001447364.3), dbSNP rs1308438113, ClinGen allele CA366188142.